The following is an entry in ClinVar:

NM_000152.5(GAA):c.1059G>C (p.Gln353His)

Gene: GAA (alpha glucosidase; plus strand). Cytogenetic location: 17q25.3.
Variant type: single nucleotide variant.
Coding change: c.1059G>C on transcript NM_000152.5 (MANE Select); coding-DNA position 1059, G replaced by C.
Protein change: p.Gln353His; replaces glutamine 353 with histidine.
Molecular consequence: missense variant.
Genome position (GRCh38, 1-based): chr17:80,108,393, G>C. VCF-style: chr17-80108393-G-C. GRCh37 (hg19) VCF-style: chr17-78082192-G-C.
Other names: c.1059G>C, p.Gln353His (NM_001079803.3, NM_001079804.3); short protein forms Q353H.
Identifiers: ClinVar variation 1366607 (VCV001366607.8), dbSNP rs376146090, ClinGen allele CA401364773.

ClinVar aggregate classification (germline): Uncertain significance. Review status: criteria provided, multiple submitters, no conflicts (2 of 4 stars). 2 submissions from 2 submitters: Uncertain significance (2). Last evaluated 2025-06-02.

Conditions:
Glycogen storage disease, type II (IOPD). Also called: POMPE DISEASE, INFANTILE-ONSET; GLYCOGEN STORAGE DISEASE II, INFANTILE-ONSET; ACID ALPHA-GLUCOSIDASE DEFICIENCY, INFANTILE-ONSET; GAA DEFICIENCY, INFANTILE-ONSET; ACID MALTASE DEFICIENCY, INFANTILE-ONSET; GLYCOGENOSIS, GENERALIZED, CARDIAC FORM. Identifiers: Orphanet 365, MedGen C0017921, MONDO:0009290, OMIM 232300.

Allele frequency attached by ClinVar (database versions not stated): gnomAD exomes 0.00001.

Submissions (2):

Revvity Omics, Revvity
Classification: Uncertain significance. Last evaluated: 2025-06-02. Review status: criteria provided, single submitter. Criteria: ACMG Guidelines, 2015. Collection method: clinical testing. Allele origin: germline.

Labcorp Genetics (formerly Invitae), Labcorp
Classification: Uncertain significance for Glycogen storage disease, type II. Last evaluated: 2024-09-30. Review status: criteria provided, single submitter. Criteria: Invitae Variant Classification Sherloc (09022015). Collection method: clinical testing. Allele origin: germline.
Comment: This sequence change replaces glutamine, which is neutral and polar, with histidine, which is basic and polar, at codon 353 of the GAA protein (p.Gln353His). This variant is present in population databases (no rsID available, gnomAD 0.003%). This variant has not been reported in the literature in individuals affected with GAA-related conditions. ClinVar contains an entry for this variant (Variation ID: 1366607). Invitae Evidence Modeling of protein sequence and biophysical properties (such as structural, functional, and spatial information, amino acid conservation, physicochemical variation, residue mobility, and thermodynamic stability) indicates that this missense variant is expected to disrupt GAA protein function with a positive predictive value of 95%. In summary, the available evidence is currently insufficient to determine the role of this variant in disease. Therefore, it has been classified as a Variant of Uncertain Significance.